The following is an entry in ClinVar:

NM_004006.3(DMD):c.961-2A>G

Gene: DMD (dystrophin; minus strand). Cytogenetic location: Xp21.1.
Variant type: single nucleotide variant.
Coding change: c.961-2A>G on transcript NM_004006.3 (MANE Select); the canonical splice acceptor site of the intron before coding-DNA position 961, A replaced by G.
Molecular consequence: splice acceptor variant.
Genome position (GRCh38, 1-based): chrX:32,645,154, T>C on the plus strand (A>G on the coding strand, the complement: DMD is on the minus strand). VCF-style: chrX-32645154-T-C. GRCh37 (hg19) VCF-style: chrX-32663271-T-C.
Other names: c.937-2A>G (NM_000109.4); c.949-2A>G (NM_004009.3); c.592-2A>G (NM_004010.3).
Identifiers: ClinVar variation 1066543 (VCV001066543.7), dbSNP rs2146836134, ClinGen allele CA412662451.

ClinVar aggregate classification (germline): Pathogenic (1 of 4 stars; one submission).

Conditions:
Duchenne muscular dystrophy (DMD). Also called: MUSCULAR DYSTROPHY, PSEUDOHYPERTROPHIC PROGRESSIVE, DUCHENNE TYPE; Duchenne Muscular Dystrophy (DMD). Identifiers: Orphanet 98896, MedGen C0013264, MONDO:0010679, OMIM 310200.

Submission:

Labcorp Genetics (formerly Invitae), Labcorp
Classification: Pathogenic for Duchenne muscular dystrophy. Last evaluated: 2022-10-28. Review status: criteria provided, single submitter. Criteria: Invitae Variant Classification Sherloc (09022015). Collection method: clinical testing. Allele origin: germline.
Comment: This sequence change affects an acceptor splice site in intron 9 of the DMD gene. It is expected to disrupt RNA splicing. Variants that disrupt the donor or acceptor splice site typically lead to a loss of protein function (PMID: 16199547), and loss-of-function variants in DMD are known to be pathogenic (PMID: 16770791, 25007885). This variant is not present in population databases (gnomAD no frequency). Disruption of this splice site has been observed in individual(s) with clinical features of DMD-related conditions (PMID: 21515508, 23536893; Invitae). ClinVar contains an entry for this variant (Variation ID: 1066543). Algorithms developed to predict the effect of sequence changes on RNA splicing suggest that this variant may disrupt the consensus splice site. For these reasons, this variant has been classified as Pathogenic.

Literature cited by the submitters: PubMed 16199547; PubMed 16770791; PubMed 25007885; PubMed 21515508; PubMed 23536893.